The following is an entry in ClinVar:

NM_001128228.3(TPRN):c.374T>C (p.Val125Ala)

Gene: TPRN (taperin; minus strand). Cytogenetic location: 9q34.3.
Variant type: single nucleotide variant.
Coding change: c.374T>C on transcript NM_001128228.3 (MANE Select); coding-DNA position 374, T replaced by C.
Protein change: p.Val125Ala; replaces valine 125 with alanine.
Molecular consequence: missense variant.
Genome position (GRCh38, 1-based): chr9:137,200,338, A>G on the plus strand (T>C on the coding strand, the complement: TPRN is on the minus strand). VCF-style: chr9-137200338-A-G. GRCh37 (hg19) VCF-style: chr9-140094790-A-G.
Other names: short protein forms V125A.
Identifiers: ClinVar variation 1190568 (VCV001190568.2), dbSNP rs941158258, ClinGen allele CA201721371.

ClinVar aggregate classification (germline): Uncertain significance (1 of 4 stars; one submission).

Allele frequency attached by ClinVar (database versions not stated): gnomAD 0.00001.

Submission:

GeneDx
Classification: Uncertain significance. Last evaluated: 2020-05-07. Review status: criteria provided, single submitter. Criteria: GeneDx Variant Classification Process June 2021. Collection method: clinical testing. Allele origin: germline. Affected: yes.
Comment: Not observed in large population cohorts (Lek et al., 2016); In silico analysis supports that this missense variant does not alter protein structure/function; Has not been previously published as pathogenic or benign to our knowledge